The following is an entry in ClinVar:

NM_006265.3(RAD21):c.640C>G (p.Gln214Glu)

Gene: RAD21 (RAD21 cohesin complex component; minus strand). Cytogenetic location: 8q24.11.
Variant type: single nucleotide variant.
Coding change: c.640C>G on transcript NM_006265.3 (MANE Select); coding-DNA position 640, C replaced by G.
Protein change: p.Gln214Glu; replaces glutamine 214 with glutamic acid.
Molecular consequence: missense variant.
Genome position (GRCh38, 1-based): chr8:116,857,315, G>C on the plus strand (C>G on the coding strand, the complement: RAD21 is on the minus strand). VCF-style: chr8-116857315-G-C. GRCh37 (hg19) VCF-style: chr8-117869554-G-C.
Other names: short protein forms Q214E.
Identifiers: ClinVar variation 1474775 (VCV001474775.7), dbSNP rs767342502, ClinGen allele CA4853040.

ClinVar aggregate classification (germline): Uncertain significance. Review status: criteria provided, multiple submitters, no conflicts (2 of 4 stars). 2 submissions from 2 submitters: Uncertain significance (2). Last evaluated 2024-08-25.

Conditions:
Cornelia de Lange syndrome 4 (CDLS4). Also called: RAD21-Related Cornelia de Lange Syndrome; CORNELIA DE LANGE SYNDROME 4 WITH OR WITHOUT MIDLINE BRAIN DEFECTS. Identifiers: Orphanet 199, MedGen C3553517, MONDO:0013864, OMIM 614701.

Allele frequency attached by ClinVar (database versions not stated): TOPMed 0.00001; gnomAD 0.00004 and 0.00003; gnomAD exomes 0.00001; ExAC 0.00002.
gnomAD v4.1: 16 of 1,610,894 alleles (0.00099%); highest among the groups gnomAD compares: Non-Finnish European, 0.0011%; no homozygotes.

Submissions (2):

Genetics and Genomic Medicine Centre, NeuroGen Healthcare, NeuroGen Healthcare
Classification: Uncertain significance for Cornelia de Lange syndrome 4. Last evaluated: 2024-08-25. Review status: criteria provided, single submitter. Criteria: ACMG Guidelines, 2015. Collection method: clinical testing. Allele origin: unknown. Affected: yes.

Labcorp Genetics (formerly Invitae), Labcorp
Classification: Uncertain significance for Cornelia de Lange syndrome 4. Last evaluated: 2024-05-06. Review status: criteria provided, single submitter. Criteria: Invitae Variant Classification Sherloc (09022015). Collection method: clinical testing. Allele origin: germline.
Comment: This sequence change replaces glutamine, which is neutral and polar, with glutamic acid, which is acidic and polar, at codon 214 of the RAD21 protein (p.Gln214Glu). This variant is present in population databases (rs767342502, gnomAD 0.01%). This variant has not been reported in the literature in individuals affected with RAD21-related conditions. ClinVar contains an entry for this variant (Variation ID: 1474775). Advanced modeling of protein sequence and biophysical properties (such as structural, functional, and spatial information, amino acid conservation, physicochemical variation, residue mobility, and thermodynamic stability) performed at Invitae indicates that this missense variant is not expected to disrupt RAD21 protein function with a negative predictive value of 80%. In summary, the available evidence is currently insufficient to determine the role of this variant in disease. Therefore, it has been classified as a Variant of Uncertain Significance.